The following is an entry in ClinVar:

NM_000455.5(STK11):c.261_262dup (p.Ile88fs)

Gene: STK11 (serine/threonine kinase 11; plus strand). Cytogenetic location: 19p13.3.
Variant type: Duplication.
Coding change: c.261_262dup on transcript NM_000455.5 (MANE Select); coding-DNA positions 261 to 262, 2 bases duplicated (GA; older notation c.261_262dupGA).
Protein change: p.Ile88fs; shifts the reading frame from isoleucine 88.
Molecular consequence: frameshift variant.
Genome position (GRCh38, 1-based): chr19:1,207,174-1,207,175, GA duplicated. VCF-style (leftmost placement, unchanged base first): chr19-1207173-G-GGA. GRCh37 (hg19) VCF-style: chr19-1207172-G-GGA.
Other names: short protein forms I88fs.
Identifiers: ClinVar variation 840985 (VCV000840985.7), dbSNP rs2080673271, ClinGen allele CA916081942.

ClinVar aggregate classification (germline): Pathogenic (1 of 4 stars; one submission).

Conditions:
Peutz-Jeghers syndrome (PJS). Also called: POLYPOSIS, HAMARTOMATOUS INTESTINAL; POLYPS-AND-SPOTS SYNDROME; Peutz-Jeghers polyposis; Periorificial lentiginosis syndrome. Identifiers: Orphanet 2869, MedGen C0031269, MeSH D010580, MONDO:0008280, OMIM 175200.

Submission:

Labcorp Genetics (formerly Invitae), Labcorp
Classification: Pathogenic for Peutz-Jeghers syndrome. Last evaluated: 2019-04-02. Review status: criteria provided, single submitter. Criteria: Invitae Variant Classification Sherloc (09022015). Collection method: clinical testing. Allele origin: germline.
Comment: This sequence change creates a premature translational stop signal (p.Ile88Argfs*9) in the STK11 gene. It is expected to result in an absent or disrupted protein product. This variant is not present in population databases (ExAC no frequency). This variant has not been reported in the literature in individuals with STK11-related conditions. Loss-of-function variants in STK11 are known to be pathogenic (PMID: 15188174, 16287113). For these reasons, this variant has been classified as Pathogenic.

Literature cited by the submitters: PubMed 15188174; PubMed 16287113.